The following is an entry in ClinVar:

ClinVar aggregate classification (germline): Likely pathogenic (1 of 4 stars; one submission).

Conditions:
Dyschromatosis universalis hereditaria 3 (DUH3). Identifiers: MedGen C3809394, MONDO:0014169, OMIM 615402.

Allele frequency attached by ClinVar (database versions not stated): ExAC 0.00002; gnomAD 0.00003; TOPMed 0.00003.

Submission:

MVZ Medizinische Genetik Mainz
Classification: Likely pathogenic for Dyschromatosis universalis hereditaria 3. Last evaluated: 2021-10-21. Review status: criteria provided, single submitter. Criteria: UK Practice Guidelines For Variant Classification V4 01 2020. Collection method: clinical testing. Allele origin: germline. Inheritance: Autosomal dominant inheritance. Affected: yes. Observed: 1 variant allele.
Comment: ACMG Criteria: PVS1, PM2_SUP

NM_005689.4(ABCB6):c.1452+2T>A

Gene: ABCB6 (ATP binding cassette subfamily B member 6 (LAN blood group); minus strand). Cytogenetic location: 2q35.
Variant type: single nucleotide variant.
Coding change: c.1452+2T>A on transcript NM_005689.4 (MANE Select); the canonical splice donor site of the intron after coding-DNA position 1452, T replaced by A.
Molecular consequence: splice donor variant.
Genome position (GRCh38, 1-based): chr2:219,214,119, A>T on the plus strand (T>A on the coding strand, the complement: ABCB6 is on the minus strand). VCF-style: chr2-219214119-A-T. GRCh37 (hg19) VCF-style: chr2-220078841-A-T.
Other names: c.1314+2T>A (NM_001349828.2).
Identifiers: ClinVar variation 3066330 (VCV003066330.1), dbSNP rs201100181, ClinGen allele CA2119391.